The following is an entry in ClinVar:

ClinVar aggregate classification (germline): Pathogenic. Review status: criteria provided, multiple submitters, no conflicts (2 of 4 stars). 4 submissions from 4 submitters: Pathogenic (4). Last evaluated 2024-08-21.

Conditions:
Hereditary cancer-predisposing syndrome. Also called: Neoplastic Syndromes, Hereditary; Hereditary Cancer Syndrome; Tumor predisposition; Hereditary neoplastic syndrome. Identifiers: Orphanet 140162, MedGen C0027672, MeSH D009386, MONDO:0015356.
Ataxia-telangiectasia syndrome (AT). Also called: LOUIS-BAR SYNDROME; Cerebello-oculocutaneous telangiectasia; Immunodeficiency with ataxia telangiectasia; Ataxia-telangiectasia, complementation group D; AT, COMPLEMENTATION GROUP C; Ataxia-telangiectasia, complementation group E. Identifiers: Orphanet 100, MedGen C0004135, MONDO:0008840, OMIM 208900.
Familial cancer of breast. Also called: Hereditary breast cancer; BREAST CANCER, FAMILIAL; hereditary breast carcinoma. Identifiers: Orphanet 227535, MedGen C0346153, MONDO:0016419, OMIM 114480. Disease mechanism: loss of function.

Submissions (4):

Ambry Genetics
Classification: Pathogenic for Hereditary cancer-predisposing syndrome. Last evaluated: 2024-08-21. Review status: criteria provided, single submitter. Criteria: Ambry Variant Classification Scheme 2023. Collection method: clinical testing. Allele origin: germline.
Comment: The c.8283_8284delTC pathogenic mutation, located in coding exon 56 of the ATM gene, results from a deletion of two nucleotides at nucleotide positions 8283 to 8284, causing a translational frameshift with a predicted alternate stop codon (p.Q2762Afs*6). This alteration has been reported in numerous individuals with Ataxia-Telangiectasia (Gilad S et al. Hum. Mol. Genet., 1996 Apr;5:433-9; Magliozzi M et al. Dis. Markers, 2006;22:257-64; Perfettini JL et al. PLoS ONE, 2008 Jun;3:e2458) and has been described as a Spanish/Italian founder mutation based on haplotype analysis (Chessa L et al. Ann. Hum. Genet., 2009 Sep;73:532-9; Mitui M et al. Hum. Mutat., 2003 Jul;22:43-50). Of note, this alteration is also designated as 8283delTC in published literature. In addition to the clinical data presented in the literature, this alteration is expected to result in loss of function by premature protein truncation or nonsense-mediated mRNA decay. As such, this alteration is interpreted as a disease-causing mutation.

Labcorp Genetics (formerly Invitae), Labcorp
Classification: Pathogenic for Ataxia-telangiectasia syndrome. Last evaluated: 2024-06-21. Review status: criteria provided, single submitter. Criteria: Invitae Variant Classification Sherloc (09022015). Collection method: clinical testing. Allele origin: germline.
Comment: This sequence change creates a premature translational stop signal (p.Gln2762Alafs*6) in the ATM gene. It is expected to result in an absent or disrupted protein product. Loss-of-function variants in ATM are known to be pathogenic (PMID: 23807571, 25614872). This variant is not present in population databases (gnomAD no frequency). This premature translational stop signal has been observed in individual(s) with ataxia-telangiectasia (PMID: 8845835). ClinVar contains an entry for this variant (Variation ID: 482713). For these reasons, this variant has been classified as Pathogenic.

Myriad Genetics, Inc.
Classification: Pathogenic for Familial cancer of breast. Last evaluated: 2024-02-01. Review status: criteria provided, single submitter. Criteria: Myriad Autosomal Dominant, Autosomal Recessive and X-Linked Classification Criteria (2023). Collection method: clinical testing. Allele origin: unknown.
Comment: This variant is considered pathogenic. This variant creates a frameshift predicted to result in premature protein truncation.

Baylor Genetics
Classification: Pathogenic for Familial cancer of breast. Last evaluated: 2023-05-18. Review status: criteria provided, single submitter. Criteria: ACMG Guidelines, 2015. Collection method: clinical testing. Allele origin: unknown.

Literature cited by the submitters: PubMed 12815592 (cited by Ambry Genetics); PubMed 17124347 (cited by Ambry Genetics); PubMed 18560558 (cited by Ambry Genetics); PubMed 19691550 (cited by Ambry Genetics); PubMed 8659541 (cited by Ambry Genetics); PubMed 8845835 (cited by Ambry Genetics and Labcorp Genetics (formerly Invitae), Labcorp); PubMed 23807571 (cited by Labcorp Genetics (formerly Invitae), Labcorp); PubMed 25614872 (cited by Labcorp Genetics (formerly Invitae), Labcorp).

NM_000051.4(ATM):c.8283_8284del (p.Gln2762fs)

Genes: ATM (ATM serine/threonine kinase; plus strand), C11orf65 (chromosome 11 open reading frame 65; minus strand). Cytogenetic location: 11q22.3.
Variant type: Microsatellite.
Coding change: c.8283_8284del on transcript NM_000051.4 (MANE Select); coding-DNA positions 8283 to 8284, 2 bases deleted (TC; older notation c.8283_8284delTC).
Protein change: p.Gln2762fs; shifts the reading frame from glutamine 2762.
Molecular consequence: frameshift variant. On other transcripts: intron variant (2).
Genome position (GRCh38, 1-based): chr11:108,343,236-108,343,237, TC deleted; deleting any 2 consecutive bases within chr11:108,343,231-108,343,237 gives the same sequence; the c. name uses the placement nearest the transcript's 3' end. VCF-style (leftmost placement, unchanged base first): chr11-108343230-CCT-C. GRCh37 (hg19) VCF-style: chr11-108213957-CCT-C.
Other names: c.8283_8284delTC (NM_000051.3); c.8283_8284del, p.Gln2762fs (NM_001351834.2); c.641-34165AG[2] (NM_001330368.2); c.695-7944AG[2] (NM_001351110.2); short protein forms Q2762fs.
Identifiers: ClinVar variation 482713 (VCV000482713.13), dbSNP rs775899653, ClinGen allele CA658656238.